The following is an entry in ClinVar:

ClinVar aggregate classification (germline): Likely benign. Review status: criteria provided, single submitter (1 of 4 stars). 2 submissions from 2 submitters: Likely benign (1). 1 of the submissions does not count toward it. Last evaluated 2025-11-06.

Conditions:
MAPKBP1-related disorder. Also called: MAPKBP1-related condition.

gnomAD v4.1: 37 of 1,614,086 alleles (0.0023%); highest among the groups gnomAD compares: Non-Finnish European, 0.00059%; no homozygotes.

Submissions (2):

Labcorp Genetics (formerly Invitae), Labcorp
Classification: Likely benign. Last evaluated: 2025-11-06. Review status: criteria provided, single submitter. Criteria: Invitae Variant Classification Sherloc (09022015). Collection method: clinical testing. Allele origin: germline.

PreventionGenetics, part of Exact Sciences
Classification: Likely benign for MAPKBP1-related condition. Last evaluated: 2024-08-29. Review status: no assertion criteria provided. Collection method: clinical testing. Allele origin: germline. Not counted in ClinVar's aggregate classification.
Comment: This variant is classified as likely benign based on ACMG/AMP sequence variant interpretation guidelines (Richards et al. 2015 PMID: 25741868, with internal and published modifications).

NM_014994.3(MAPKBP1):c.2256A>G (p.Gly752=)

Gene: MAPKBP1 (mitogen-activated protein kinase binding protein 1; plus strand). Cytogenetic location: 15q15.1.
Variant type: single nucleotide variant.
Coding change: c.2256A>G on transcript NM_014994.3 (MANE Select); coding-DNA position 2256, A replaced by G.
Protein change: p.Gly752=; no amino-acid change (glycine 752 retained).
Molecular consequence: synonymous variant. On other transcripts: non-coding transcript variant (2).
Genome position (GRCh38, 1-based): chr15:41,818,922, A>G. VCF-style: chr15-41818922-A-G. GRCh37 (hg19) VCF-style: chr15-42111120-A-G.
Other names: c.2274A>G, p.Gly758= (NM_001128608.2); c.2256A>G, p.Gly752= (NM_001265611.2).
Identifiers: ClinVar variation 3352170 (VCV003352170.2).